The following is an entry in ClinVar:

ClinVar aggregate classification (germline): Uncertain significance (1 of 4 stars; one submission).

Submission:

Labcorp Genetics (formerly Invitae), Labcorp
Classification: Uncertain significance. Last evaluated: 2025-09-25. Review status: criteria provided, single submitter. Criteria: Invitae Variant Classification Sherloc (09022015). Collection method: clinical testing. Allele origin: germline.
Comment: This sequence change falls in intron 6 of the ANKZF1 gene. It does not directly change the encoded amino acid sequence of the ANKZF1 protein. It affects a nucleotide within the consensus splice site. This variant is present in population databases (no rsID available, gnomAD 0.003%). This variant has not been reported in the literature in individuals affected with ANKZF1-related conditions. Variants that disrupt the consensus splice site are a relatively common cause of aberrant splicing (PMID: 17576681, 9536098). Algorithms developed to predict the effect of sequence changes on RNA splicing suggest that this variant is not likely to affect RNA splicing. In summary, the available evidence is currently insufficient to determine the role of this variant in disease. Therefore, it has been classified as a Variant of Uncertain Significance.

Literature cited by the submitters: PubMed 17576681; PubMed 9536098.

NM_018089.3(ANKZF1):c.671+6_671+7del

Gene: ANKZF1 (ankyrin repeat and zinc finger peptidyl tRNA hydrolase 1; plus strand). Cytogenetic location: 2q35.
Variant type: Microsatellite.
Coding change: c.671+6_671+7del on transcript NM_018089.3 (MANE Select); bases 6 to 7 of the intron after coding-DNA position 671, 2 bases deleted (AG; older notation c.671+6_671+7delAG).
Molecular consequence: intron variant.
Genome position (GRCh38, 1-based): chr2:219,233,197-219,233,198, AG deleted; deleting any 2 consecutive bases within chr2:219,233,194-219,233,198 gives the same sequence; the c. name uses the placement nearest the transcript's 3' end. VCF-style (leftmost placement, unchanged base first): chr2-219233193-TGA-T. GRCh37 (hg19) VCF-style: chr2-220097915-TGA-T.
Other names: c.671+6_671+7del (NM_001042410.2); c.41+6_41+7del (NM_001282792.2).
Identifiers: ClinVar variation 4805199 (VCV004805199.1).
Genomic context (GRCh38, chr2:219,233,193, plus strand): 5'-AGAGACTGCGTGGTGCTCATGGCTGCAGCTGGGCACTTTGCTGGTGCTATATTTCAAGGG[TGA>T]GAGGGTGCTGCATGGGGGTAAGGATGGAGTGGATCCTGTTAGCCAGGGAGCACCAGCTGG-3'